The following is an entry in ClinVar:

NM_017934.7(PHIP):c.4174_4175insATTTTCAGTAATTATTTTCAGTAATT (p.Ser1392delinsTyrPheGlnTer)

Genes: IRAK1BP1 (interleukin 1 receptor associated kinase 1 binding protein 1; plus strand), PHIP (PHIP subunit of CUL4-Ring ligase complex; minus strand). Cytogenetic location: 6q14.1.
Variant type: Microsatellite.
Coding change: c.4174_4175insATTTTCAGTAATTATTTTCAGTAATT on transcript NM_017934.7 (MANE Select); coding-DNA positions 4174 to 4175, ATTTTCAGTAATTATTTTCAGTAATT inserted.
Protein change: p.Ser1392delinsTyrPheGlnTer.
Molecular consequence: nonsense.
Genome position: GRCh38 VCF-style: chr6-78947654-G-GAATTACTGAAAATAATTACTGAAAAT. GRCh37 (hg19) VCF-style: chr6-79657371-G-GAATTACTGAAAATAATTACTGAAAAT.
Identifiers: ClinVar variation 1339462 (VCV001339462.2), dbSNP rs2127683593, ClinGen allele CA2580617296.

ClinVar aggregate classification (germline): Pathogenic (1 of 4 stars; one submission).

Conditions:
Schizophrenia (SCZD). Identifiers: MedGen C0036341, MeSH D012559, MONDO:0005090, OMIM 181500, HP:0100753.

Submission:

Cytogénomique, Hospices Civils de Lyon
Classification: Pathogenic for Schizophrenia. Last evaluated: 2022-02-07. Review status: criteria provided, single submitter. Criteria: ACMG Guidelines, 2015. Collection method: clinical testing. Allele origin: de novo. Inheritance: Sporadic. Affected: yes. Observed: 1 variant allele, 1 heterozygote.
Comment: truncating variant, absent from gnomAD